The following is an entry in ClinVar:

ClinVar aggregate classification (germline): Benign/Likely benign. Review status: criteria provided, multiple submitters, no conflicts (2 of 4 stars). 8 submissions from 8 submitters: Benign (4); Likely benign (1). 3 of the submissions do not count toward it. Last evaluated 2026-01-20.

Conditions:
Inborn genetic diseases. Identifiers: MedGen C0950123, MeSH D030342.
BRWD3-related disorder. Also called: BRWD3-related condition.
Intellectual developmental disorder, X-linked 93. Also called: MENTAL RETARDATION, X-LINKED, WITH MACROCEPHALY; Intellectual disability, X-linked 93. Identifiers: MedGen C1970841, MONDO:0010393, OMIM 300659.

Allele frequency attached by ClinVar (database versions not stated): 1000 Genomes Project 0.00026; 1000 Genomes Project 30x 0.00042; TOPMed 0.00080; gnomAD exomes 0.00062 and 0.00081; gnomAD 0.00076 and 0.00079; ExAC 0.00091; ESP Exome Variant Server 0.00142.
gnomAD v4.1: 783 of 1,205,541 alleles (0.065%); highest among the groups gnomAD compares: Middle Eastern, 0.35%; no homozygotes.

Submissions (8):

Labcorp Genetics (formerly Invitae), Labcorp
Classification: Benign. Last evaluated: 2026-01-20. Review status: criteria provided, single submitter. Criteria: Invitae Variant Classification Sherloc (09022015). Collection method: clinical testing. Allele origin: germline.

Blueprint Genetics
Classification: Likely benign. Last evaluated: 2024-11-27. Review status: criteria provided, single submitter. Criteria: ACMG Guidelines, 2015. Collection method: clinical testing. Allele origin: germline.

GeneDx
Classification: Benign. Last evaluated: 2020-11-06. Review status: criteria provided, single submitter. Criteria: GeneDx Variant Classification Process June 2021. Collection method: clinical testing. Allele origin: germline. Affected: yes.

Ambry Genetics
Classification: Benign for Inborn genetic diseases. Last evaluated: 2018-01-17. Review status: criteria provided, single submitter. Criteria: Ambry Variant Classification Scheme 2023. Collection method: clinical testing. Allele origin: germline.

Illumina Laboratory Services, Illumina
Classification: Benign for Intellectual developmental disorder, X-linked 93. Last evaluated: 2018-01-12. Review status: criteria provided, single submitter. Criteria: ICSL Variant Classification Criteria 13 December 2019. Collection method: clinical testing. Allele origin: germline.
Comment: This variant was observed in the ICSL laboratory as part of a predisposition screen in an ostensibly healthy population. It had not been previously curated by ICSL or reported in the Human Gene Mutation Database (HGMD: prior to June 1st, 2018), and was therefore a candidate for classification through an automated scoring system. Utilizing variant allele frequency, disease prevalence and penetrance estimates, and inheritance mode, an automated score was calculated to assess if this variant is too frequent to cause the disease. Based on the score and internal cut-off values, a variant classified as benign is not then subjected to further curation. The score for this variant resulted in a classification of benign for this disease.

PreventionGenetics, part of Exact Sciences
Classification: Likely benign for BRWD3-related condition. Last evaluated: 2020-12-14. Review status: no assertion criteria provided. Collection method: clinical testing. Allele origin: germline. Not counted in ClinVar's aggregate classification.
Comment: This variant is classified as likely benign based on ACMG/AMP sequence variant interpretation guidelines (Richards et al. 2015 PMID: 25741868, with internal and published modifications).

Clinical Genetics DNA and cytogenetics Diagnostics Lab, Erasmus MC, Erasmus Medical Center
Classification: Likely benign. Review status: no assertion criteria provided. Collection method: clinical testing. Allele origin: germline. Affected: yes. Study: VKGL Data-share Consensus. Not counted in ClinVar's aggregate classification.

Laboratory of Diagnostic Genome Analysis, Leiden University Medical Center (LUMC)
Classification: Likely benign. Review status: no assertion criteria provided. Collection method: clinical testing. Allele origin: germline. Affected: yes. Study: VKGL Data-share Consensus. Not counted in ClinVar's aggregate classification.

NM_153252.5(BRWD3):c.5130G>T (p.Gly1710=)

Gene: BRWD3 (bromodomain and WD repeat domain containing 3; minus strand). Cytogenetic location: Xq21.1.
Variant type: single nucleotide variant.
Coding change: c.5130G>T on transcript NM_153252.5 (MANE Select); coding-DNA position 5130, G replaced by T.
Protein change: p.Gly1710=; no amino-acid change (glycine 1710 retained).
Molecular consequence: synonymous variant.
Genome position (GRCh38, 1-based): chrX:80,676,888, C>A on the plus strand (G>T on the coding strand, the complement: BRWD3 is on the minus strand). VCF-style: chrX-80676888-C-A. GRCh37 (hg19) VCF-style: chrX-79932387-C-A.
Identifiers: ClinVar variation 368723 (VCV000368723.26), dbSNP rs146425236, ClinGen allele CA10461572.